The following is an entry in ClinVar:

ClinVar aggregate classification (germline): Conflicting classifications of pathogenicity. Review status: criteria provided, conflicting classifications (1 of 4 stars). 11 submissions from 11 submitters: Uncertain significance (1); Likely benign (6). 4 of the submissions do not count toward it. Last evaluated 2025-11-25.

Conditions:
Cardiovascular phenotype. Identifiers: MedGen CN230736.
Arrhythmogenic right ventricular cardiomyopathy (ARVD). Also called: Arrhythmogenic cardiomyopathy; Arrhythmogenic Right Ventricular Cardiomyopathy (ARVC); Cardiomyopathy, ARVC; Arrhythmogenic right ventricular dysplasia. Identifiers: Orphanet 247, MedGen C0349788, MeSH D019571, MONDO:0016587. Disease mechanism: loss of function. Inheritance: Various modes of inheritance.
Cardiomyopathy (CMYO). Also called: Cardiomyopathies. Identifiers: Orphanet 167848, MedGen C0878544, MONDO:0004994, HP:0001638. Inheritance: Various modes of inheritance.
Arrhythmogenic right ventricular dysplasia 10. Also called: ARRHYTHMOGENIC RIGHT VENTRICULAR DYSPLASIA, FAMILIAL, 10; Arrhythmogenic Right Ventricular Dysplasia/Cardiomyopathy10; Arrhythmogenic right ventricular dysplasia/cardiomyopathy, type 10. Identifiers: MedGen C1857777, MONDO:0012434, OMIM 610193.

Allele frequency attached by ClinVar (database versions not stated): ExAC 0.00004; gnomAD 0.00004 and 0.00005; gnomAD exomes 0.00004 and 0.00006; TOPMed 0.00004; ESP Exome Variant Server 0.00008; 1000 Genomes Project 30x 0.00016; 1000 Genomes Project 0.00020.
gnomAD v4.1: 88 of 1,613,938 alleles (0.0055%); highest among the groups gnomAD compares: Middle Eastern, 0.017%; no homozygotes.

Submissions (11):

Labcorp Genetics (formerly Invitae), Labcorp
Classification: Likely benign for Arrhythmogenic right ventricular dysplasia 10. Last evaluated: 2025-11-25. Review status: criteria provided, single submitter. Criteria: Invitae Variant Classification Sherloc (09022015). Collection method: clinical testing. Allele origin: germline.

Molecular Diagnostic Laboratory for Inherited Cardiovascular Disease, Montreal Heart Institute
Classification: Likely benign. Last evaluated: 2025-07-24. Review status: criteria provided, single submitter. Criteria: ACMG Guidelines, 2015. Collection method: clinical testing. Allele origin: germline. Affected: no.

All of Us Research Program, National Institutes of Health
Classification: Likely benign for Arrhythmogenic right ventricular cardiomyopathy. Last evaluated: 2023-12-13. Review status: criteria provided, single submitter. Criteria: ACMG Guidelines, 2015. Collection method: clinical testing. Allele origin: germline. Inheritance: Autosomal dominant inheritance. Observed: 15 variant alleles, 15 heterozygotes.
Comment: This study involves interpretation of variants in research participants for the purpose of population health screening. Participant phenotype was not available at the time of variant classification. Additional details can be found in publication PMID: 35346344, PMCID: PMC8962531

Ambry Genetics
Classification: Likely benign for Cardiovascular phenotype. Last evaluated: 2022-06-06. Review status: criteria provided, single submitter. Criteria: Ambry Variant Classification Scheme 2023. Collection method: clinical testing. Allele origin: germline.

GeneDx
Classification: Likely benign. Last evaluated: 2021-03-10. Review status: criteria provided, single submitter. Criteria: GeneDx Variant Classification Process June 2021. Collection method: clinical testing. Allele origin: germline. Affected: yes.

Color Diagnostics, LLC DBA Color Health
Classification: Likely benign for Cardiomyopathy. Last evaluated: 2019-03-26. Review status: criteria provided, single submitter. Criteria: ACMG Guidelines, 2015. Collection method: clinical testing. Allele origin: germline.

Illumina Laboratory Services, Illumina
Classification: Uncertain significance for Arrhythmogenic right ventricular dysplasia 10. Last evaluated: 2018-01-13. Review status: criteria provided, single submitter. Criteria: ICSL Variant Classification Criteria 13 December 2019. Collection method: clinical testing. Allele origin: germline.

Clinical Genetics DNA and cytogenetics Diagnostics Lab, Erasmus MC, Erasmus Medical Center
Classification: Likely benign. Review status: no assertion criteria provided. Collection method: clinical testing. Allele origin: germline. Affected: yes. Study: VKGL Data-share Consensus. Not counted in ClinVar's aggregate classification.

Clinical Genetics, Academic Medical Center
Classification: Benign. Review status: no assertion criteria provided. Collection method: clinical testing. Allele origin: germline. Affected: yes. Study: VKGL Data-share Consensus. Not counted in ClinVar's aggregate classification.

Diagnostic Laboratory, Department of Genetics, University Medical Center Groningen
Classification: Likely benign. Review status: no assertion criteria provided. Collection method: clinical testing. Allele origin: germline. Affected: yes. Study: VKGL Data-share Consensus. Not counted in ClinVar's aggregate classification.

Genome Diagnostics Laboratory, University Medical Center Utrecht
Classification: Likely benign. Review status: no assertion criteria provided. Collection method: clinical testing. Allele origin: germline. Affected: yes. Study: VKGL Data-share Consensus. Not counted in ClinVar's aggregate classification.

NM_001943.5(DSG2):c.390C>T (p.Tyr130=)

Gene: DSG2 (desmoglein 2; plus strand). Cytogenetic location: 18q12.1.
Variant type: single nucleotide variant.
Coding change: c.390C>T on transcript NM_001943.5 (MANE Select); coding-DNA position 390, C replaced by T.
Protein change: p.Tyr130=; no amino-acid change (tyrosine 130 retained).
Molecular consequence: synonymous variant.
Genome position (GRCh38, 1-based): chr18:31,521,110, C>T. VCF-style: chr18-31521110-C-T. GRCh37 (hg19) VCF-style: chr18-29101073-C-T.
Other names: c.390C>T (LRG_397t1).
Identifiers: ClinVar variation 326475 (VCV000326475.29), dbSNP rs369489095, ClinGen allele CA048640.